The following is an entry in ClinVar:

ClinVar aggregate classification (germline): Uncertain significance. Review status: criteria provided, multiple submitters, no conflicts (2 of 4 stars). 2 submissions from 2 submitters: Uncertain significance (2). Last evaluated 2026-01-29.

Conditions:
Early-infantile DEE. Also called: Early infantile epileptic encephalopathy with suppression bursts; Ohtahara syndrome; Early infantile epileptic encephalopathy. Identifiers: Orphanet 1934, MedGen C0393706, MONDO:0800491.

Allele frequency attached by ClinVar (database versions not stated): gnomAD exomes 0.00004; ExAC 0.00008; TOPMed 0.00008; gnomAD 0.00014 and 0.00015.
gnomAD v4.1: 108 of 1,560,656 alleles (0.0069%); highest among the groups gnomAD compares: East Asian, 0.055%; 3 homozygotes.

Submissions (2):

Labcorp Genetics (formerly Invitae), Labcorp
Classification: Uncertain significance for Early-infantile DEE. Last evaluated: 2026-01-29. Review status: criteria provided, single submitter. Criteria: Invitae Variant Classification Sherloc (09022015). Collection method: clinical testing. Allele origin: germline.
Comment: This sequence change replaces threonine, which is neutral and polar, with asparagine, which is neutral and polar, at codon 89 of the ARHGEF15 protein (p.Thr89Asn). This variant is present in population databases (rs375343071, gnomAD 0.06%), and has an allele count higher than expected for a pathogenic variant. This variant has not been reported in the literature in individuals affected with ARHGEF15-related conditions. ClinVar contains an entry for this variant (Variation ID: 403967). An algorithm developed to predict the effect of missense changes on protein structure and function outputs the following: PolyPhen-2: "Benign". The asparagine amino acid residue is found in multiple mammalian species, which suggests that this missense change does not adversely affect protein function. In summary, the available evidence is currently insufficient to determine the role of this variant in disease. Therefore, it has been classified as a Variant of Uncertain Significance.

Ambry Genetics
Classification: Uncertain significance. Last evaluated: 2021-10-06. Review status: criteria provided, single submitter. Criteria: Ambry Variant Classification Scheme 2023. Collection method: clinical testing. Allele origin: germline.

NM_173728.4(ARHGEF15):c.266C>A (p.Thr89Asn)

Gene: ARHGEF15 (Rho guanine nucleotide exchange factor 15; plus strand). Cytogenetic location: 17p13.1.
Variant type: single nucleotide variant.
Coding change: c.266C>A on transcript NM_173728.4 (MANE Select); coding-DNA position 266, C replaced by A.
Protein change: p.Thr89Asn; replaces threonine 89 with asparagine.
Molecular consequence: missense variant.
Genome position (GRCh38, 1-based): chr17:8,312,305, C>A. VCF-style: chr17-8312305-C-A. GRCh37 (hg19) VCF-style: chr17-8215623-C-A.
Other names: c.266C>A, p.Thr89Asn (NM_025014.2); short protein forms T89N.
Identifiers: ClinVar variation 403967 (VCV000403967.10), dbSNP rs375343071, ClinGen allele CA8374819.
Genomic context (GRCh38, chr17:8,312,305, plus strand): 5'-CCCTCAAGCCCCCTGCTCTTTTGCCCCCCTCAGCTTCTAGAGCCAGCCTCGACTCCCAGA[C>A]TTCCCCAGACTCACCTTCCAGCACCCCCACACCTAGTCCAGTGTCCCGGCGCTCCGCCTC-3'
Protein context (NP_776089.2, residues 79-99): SASRASLDSQ[Thr89Asn]SPDSPSSTPT